The following is an entry in ClinVar:

NM_000214.3(JAG1):c.3154G>A (p.Val1052Ile)

Gene: JAG1 (jagged canonical Notch ligand 1; minus strand). Cytogenetic location: 20p12.2.
Variant type: single nucleotide variant.
Coding change: c.3154G>A on transcript NM_000214.3 (MANE Select); coding-DNA position 3154, G replaced by A.
Protein change: p.Val1052Ile; replaces valine 1052 with isoleucine.
Molecular consequence: missense variant.
Genome position (GRCh38, 1-based): chr20:10,640,828, C>T on the plus strand (G>A on the coding strand, the complement: JAG1 is on the minus strand). VCF-style: chr20-10640828-C-T. GRCh37 (hg19) VCF-style: chr20-10621476-C-T.
Other names: short protein forms V1052I.
Identifiers: ClinVar variation 895806 (VCV000895806.13), dbSNP rs375200637, ClinGen allele CA9764268.

ClinVar aggregate classification (germline): Conflicting classifications of pathogenicity. Review status: criteria provided, conflicting classifications (1 of 4 stars). 5 submissions from 5 submitters: Uncertain significance (2); Likely benign (3). Last evaluated 2026-09-21.

Conditions:
JAG1-related disorder. Also called: JAG1-related disorders; JAG1-related condition.
Isolated Nonsyndromic Congenital Heart Disease.
Alagille syndrome due to a JAG1 point mutation. Also called: HEPATIC DUCTULAR HYPOPLASIA, SYNDROMATIC; Alagille Syndrome 1; JAG1-Related Alagille Syndrome. Identifiers: Orphanet 261619, Orphanet 52, MedGen C1956125, MONDO:0016862, OMIM 118450.
Cardiovascular phenotype. Identifiers: MedGen CN230736.

Allele frequency attached by ClinVar (database versions not stated): ESP Exome Variant Server 0.00008; ExAC 0.00003; gnomAD exomes 0.00003 and 0.00006; TOPMed 0.00005; gnomAD 0.00007.
gnomAD v4.1: 98 of 1,614,046 alleles (0.0061%); highest among the groups gnomAD compares: Non-Finnish European, 0.0078%; no homozygotes.

Submissions (5):

PreventionGenetics, part of Exact Sciences
Classification: Uncertain significance for JAG1-related condition. Last evaluated: 2026-09-21. Review status: criteria provided, single submitter. Criteria: ACMG Guidelines, 2015. Collection method: clinical testing. Allele origin: germline.
Comment: The JAG1 c.3154G>A variant is predicted to result in the amino acid substitution p.Val1052Ile. To our knowledge, this variant has not been reported in the literature. This variant is reported in 0.0065% of alleles in individuals of South Asian descent in gnomAD. At this time, the clinical significance of this variant is uncertain due to the absence of conclusive functional and genetic evidence.

Labcorp Genetics (formerly Invitae), Labcorp
Classification: Likely benign for Alagille syndrome due to a JAG1 point mutation. Last evaluated: 2025-10-02. Review status: criteria provided, single submitter. Criteria: Invitae Variant Classification Sherloc (09022015). Collection method: clinical testing. Allele origin: germline.

Women's Health and Genetics/Laboratory Corporation of America, LabCorp
Classification: Likely benign. Last evaluated: 2024-12-27. Review status: criteria provided, single submitter. Criteria: LabCorp Variant Classification Summary - May 2015. Collection method: clinical testing. Allele origin: germline.
Comment: Variant summary: JAG1 c.3154G>A (p.Val1052Ile) results in a conservative amino acid change in the encoded protein sequence. Four of five in-silico tools predict a benign effect of the variant on protein function. The variant allele was found at a frequency of 6.1e-05 in 1607050 control chromosomes, predominantly at a frequency of 7.8e-05 within the Non-Finnish European subpopulation in the gnomAD database (v4.1 dataset). The observed variant frequency within Non-Finnish European control individuals in the gnomAD database is approximately 3.75-fold of the estimated maximal expected allele frequency for a pathogenic variant in JAG1 causing Alagille Syndrome 1 phenotype (2.1e-05). To our knowledge, no occurrence of c.3154G>A in individuals affected with Alagille Syndrome 1 and no experimental evidence demonstrating its impact on protein function have been reported. ClinVar contains an entry for this variant (Variation ID: 895806). Based on the evidence outlined above, the variant was classified as likely benign.

Ambry Genetics
Classification: Uncertain significance for Cardiovascular phenotype. Last evaluated: 2022-01-02. Review status: criteria provided, single submitter. Criteria: Ambry Variant Classification Scheme 2023. Collection method: clinical testing. Allele origin: germline.
Comment: The p.V1052I variant (also known as c.3154G>A), located in coding exon 25 of the JAG1 gene, results from a G to A substitution at nucleotide position 3154. The valine at codon 1052 is replaced by isoleucine, an amino acid with highly similar properties. This amino acid position is conserved. In addition, this alteration is predicted to be tolerated by in silico analysis. Since supporting evidence is limited at this time, the clinical significance of this alteration remains unclear.

Illumina Laboratory Services, Illumina
Classification: Likely benign for Isolated Nonsyndromic Congenital Heart Disease. Last evaluated: 2018-01-13. Review status: criteria provided, single submitter. Criteria: ICSL Variant Classification Criteria 13 December 2019. Collection method: clinical testing. Allele origin: germline.
Comment: This variant was observed in the ICSL laboratory as part of a predisposition screen in an ostensibly healthy population. It had not been previously curated by ICSL or reported in the Human Gene Mutation Database (HGMD: prior to June 1st, 2018), and was therefore a candidate for classification through an automated scoring system. Utilizing variant allele frequency, disease prevalence and penetrance estimates, and inheritance mode, an automated score was calculated to assess if this variant is too frequent to cause the disease. Based on the score and internal cut-off values, a variant classified as likely benign is not then subjected to further curation. The score for this variant resulted in a classification of likely benign for this disease.